The following is an entry in ClinVar:

NM_004304.5(ALK):c.4703A>C (p.Glu1568Ala)

Gene: ALK (ALK receptor tyrosine kinase; minus strand). Cytogenetic location: 2p23.2.
Variant type: single nucleotide variant.
Coding change: c.4703A>C on transcript NM_004304.5 (MANE Select); coding-DNA position 4703, A replaced by C.
Protein change: p.Glu1568Ala; replaces glutamic acid 1568 with alanine.
Molecular consequence: missense variant.
Genome position (GRCh38, 1-based): chr2:29,193,384, T>G on the plus strand (A>C on the coding strand, the complement: ALK is on the minus strand). VCF-style: chr2-29193384-T-G. GRCh37 (hg19) VCF-style: chr2-29416250-T-G.
Other names: c.1499A>C, p.Glu500Ala (NM_001353765.2); short protein forms E1568A, E500A.
Identifiers: ClinVar variation 404320 (VCV000404320.14), dbSNP rs763613910, ClinGen allele CA1593508.

ClinVar aggregate classification (germline): Conflicting classifications of pathogenicity. Review status: criteria provided, conflicting classifications (1 of 4 stars). 5 submissions from 5 submitters: Uncertain significance (3); Likely benign (2). Last evaluated 2026-01-26.

Conditions:
Hereditary cancer-predisposing syndrome. Also called: Neoplastic Syndromes, Hereditary; Tumor predisposition; Hereditary Cancer Syndrome; Hereditary neoplastic syndrome. Identifiers: Orphanet 140162, MedGen C0027672, MeSH D009386, MONDO:0015356.
Neuroblastoma, susceptibility to, 3. Also called: ALK-Related Neuroblastic Tumor Susceptibility. Identifiers: Orphanet 635, MedGen C2751681, MONDO:0013083, OMIM 613014.

Allele frequency attached by ClinVar (database versions not stated): ExAC 0.00003; gnomAD exomes 0.00003 and 0.00008; TOPMed 0.00003; gnomAD 0.00004.
gnomAD v4.1: 119 of 1,614,104 alleles (0.0074%); highest among the groups gnomAD compares: Non-Finnish European, 0.0097%; no homozygotes.

Submissions (5):

Labcorp Genetics (formerly Invitae), Labcorp
Classification: Uncertain significance for Neuroblastoma, susceptibility to, 3. Last evaluated: 2026-01-26. Review status: criteria provided, single submitter. Criteria: Invitae Variant Classification Sherloc (09022015). Collection method: clinical testing. Allele origin: germline.
Comment: This sequence change replaces glutamic acid, which is acidic and polar, with alanine, which is neutral and non-polar, at codon 1568 of the ALK protein (p.Glu1568Ala). This variant is present in population databases (rs763613910, gnomAD 0.007%). This variant has not been reported in the literature in individuals affected with ALK-related conditions. ClinVar contains an entry for this variant (Variation ID: 404320). An algorithm developed to predict the effect of missense changes on protein structure and function (PolyPhen-2) suggests that this variant is likely to be tolerated. In summary, the available evidence is currently insufficient to determine the role of this variant in disease. Therefore, it has been classified as a Variant of Uncertain Significance.

Ambry Genetics
Classification: Likely benign for Hereditary cancer-predisposing syndrome. Last evaluated: 2024-12-06. Review status: criteria provided, single submitter. Criteria: Ambry Variant Classification Scheme 2023. Collection method: clinical testing. Allele origin: germline.

Blueprint Genetics
Classification: Likely benign. Last evaluated: 2024-11-06. Review status: criteria provided, single submitter. Criteria: ACMG Guidelines, 2015. Collection method: clinical testing. Allele origin: germline.

GeneDx
Classification: Uncertain significance. Last evaluated: 2024-09-24. Review status: criteria provided, single submitter. Criteria: GeneDx Variant Classification Process June 2021. Collection method: clinical testing. Allele origin: germline.
Comment: In silico analysis supports that this missense variant has a deleterious effect on protein structure/function; Has not been previously published as pathogenic or benign to our knowledge

Baylor Genetics
Classification: Uncertain significance for Neuroblastoma, susceptibility to, 3. Last evaluated: 2023-12-19. Review status: criteria provided, single submitter. Criteria: ACMG Guidelines, 2015. Collection method: clinical testing. Allele origin: unknown.